The following is an entry in ClinVar:

ClinVar aggregate classification (germline): Conflicting classifications of pathogenicity. Review status: criteria provided, conflicting classifications (1 of 4 stars). 11 submissions from 11 submitters: Pathogenic (5); Likely pathogenic (4); Uncertain significance (1). 1 of the submissions does not count toward it. Last evaluated 2026-05-12.

Conditions:
USH2A-related disorder. Also called: USH2A-related disorders; USH2A-related condition. Identifiers: MedGen CN239332.
Retinitis pigmentosa (RP). Identifiers: Orphanet 791, MedGen C0035334, MeSH D012174, MONDO:0019200, OMIM 268000. Inheritance: Autosomal dominant, autosomal recessive and X linked inheritance.
Retinitis pigmentosa 39 (RP39). Identifiers: Orphanet 791, MedGen C3151138, MONDO:0013436, OMIM 613809.
Usher syndrome type 2A. Also called: USHER SYNDROME, TYPE IIA; RETINAL DISEASE IN USHER SYNDROME TYPE IIA, MODIFIER OF. Identifiers: Orphanet 231178, Orphanet 886, MedGen C1848634, MONDO:0010169, OMIM 276901.
Retinal dystrophy. Also called: Inherited retinal dystrophy. Identifiers: Orphanet 71862, MedGen C0854723, MeSH D058499, MONDO:0019118, HP:0000556.

Allele frequency attached by ClinVar (database versions not stated): gnomAD exomes 0.00001; TOPMed 0.00001; ExAC 0.00002; gnomAD 0.00003.
gnomAD v4.1: 21 of 1,613,976 alleles (0.0013%); highest among the groups gnomAD compares: Non-Finnish European, 0.0016%; no homozygotes.

Submissions (11):

PreventionGenetics, part of Exact Sciences
Classification: Pathogenic for USH2A-related condition. Last evaluated: 2026-05-12. Review status: criteria provided, single submitter. Criteria: ACMG Guidelines, 2015. Collection method: clinical testing. Allele origin: germline.
Comment: The USH2A c.12268C>A variant is predicted to result in the amino acid substitution p.Pro4090Thr. This variant has been reported in the compound heterozygous state in multiple individuals with retinitis pigmentosa (see for examples: Table S1, Glöckle et al. 2014. PubMed ID: 23591405; Table S1, Weisschuh et al. 2020. PubMed ID: 32531858; Table S1, Lin et al. 2024. PubMed ID: 38219857). An alternate substitution of this amino acid (p.Pro4090Arg) has also been reported in individuals with retinitis pigmentosa (Table S1, Stone et al. 2017. PubMed ID: 28559085). This variant is present in 0.0023% of alleles in individuals of European (Non-Finnish) descent in gnomAD. This variant is interpreted as pathogenic.

Labcorp Genetics (formerly Invitae), Labcorp
Classification: Pathogenic. Last evaluated: 2026-01-02. Review status: criteria provided, single submitter. Criteria: Invitae Variant Classification Sherloc (09022015). Collection method: clinical testing. Allele origin: germline.
Comment: This sequence change replaces proline, which is neutral and non-polar, with threonine, which is neutral and polar, at codon 4090 of the USH2A protein (p.Pro4090Thr). This variant is present in population databases (rs780893919, gnomAD 0.002%). This missense change has been observed in individual(s) with clinical features of retinitis pigmentosa or Usher syndrome (PMID: 23591405; internal data). In at least one individual the data is consistent with being in trans (on the opposite chromosome) from a pathogenic variant. ClinVar contains an entry for this variant (Variation ID: 550401). Invitae Evidence Modeling of protein sequence and biophysical properties (such as structural, functional, and spatial information, amino acid conservation, physicochemical variation, residue mobility, and thermodynamic stability) indicates that this missense variant is expected to disrupt USH2A protein function with a positive predictive value of 95%. This variant disrupts the p.Pro4090 amino acid residue in USH2A. Other variant(s) that disrupt this residue have been observed in individuals with USH2A-related conditions (PMID: 28559085), which suggests that this may be a clinically significant amino acid residue. For these reasons, this variant has been classified as Pathogenic.

Natera, Inc.
Classification: Likely pathogenic for Usher syndrome type 2A. Last evaluated: 2025-12-05. Review status: criteria provided, single submitter. Criteria: Natera Variant Classification Schema (03/2026). Collection method: clinical testing. Allele origin: germline.
Comment: The c.12268C>A variant in USH2A is a missense variant predicted to cause substitution of proline to threonine at amino acid 4090. This variant is rare in the general population with a frequency below the threshold expected for the associated phenotype(s). This variant has been observed in one or more individuals affected with the associated recessive disease, as either homozygous or compound heterozygous with a second variant (PMID: 32531858, 29099798, 37446072, 38219857, 37734845). A different variant at the same position has been determined to be Pathogenic or Likely Pathogenic. Computational prediction algorithms indicate this variant is likely to affect gene or protein function. Given the available evidence, this variant is classified as Likely Pathogenic.

Genome-Nilou Lab
Classification: Likely pathogenic for Usher syndrome type 2A. Last evaluated: 2023-11-04. Review status: criteria provided, single submitter. Criteria: ACMG Guidelines, 2015. Collection method: clinical testing. Allele origin: germline. Affected: no.

Baylor Genetics
Classification: Pathogenic for Retinitis pigmentosa 39. Last evaluated: 2023-10-24. Review status: criteria provided, single submitter. Criteria: ACMG Guidelines, 2015. Collection method: clinical testing. Allele origin: unknown.

Blueprint Genetics
Classification: Pathogenic for USH2A-related disorders. Last evaluated: 2022-08-09. Review status: criteria provided, single submitter. Criteria: ACMG Guidelines, 2015. Collection method: clinical testing. Allele origin: germline. Affected: yes. Observed: 5 variant alleles.

Myriad Genetics, Inc.
Classification: Likely pathogenic for Usher syndrome type 2A. Last evaluated: 2021-11-08. Review status: criteria provided, single submitter. Criteria: Myriad Women's Health Autosomal Recessive and X-Linked Classification Criteria (2021). Collection method: clinical testing. Allele origin: unknown.
Comment: NM_206933.2(USH2A):c.12268C>A(P4090T) is a missense variant classified as likely pathogenic in the context of USH2A-related disorders. P4090T has been observed in cases with relevant disease (PMID: 23591405, 29099798, 32531858, 31456290). Functional assessments of this variant are not available in the literature. P4090T has been observed in population frequency databases (gnomAD: NFE 0.01%). In summary, NM_206933.2(USH2A):c.12268C>A(P4090T) is a missense variant that has been observed more frequently in cases with the relevant disease than in healthy populations. Please note: this variant was assessed in the context of healthy population screening.

CeGaT Center for Human Genetics Tuebingen
Classification: Pathogenic. Last evaluated: 2021-06-01. Review status: criteria provided, single submitter. Criteria: CeGaT Center For Human Genetics Tuebingen Variant Classification Criteria Version 2. Collection method: clinical testing. Allele origin: germline. Affected: yes. Observed: 1 variant allele.

Institute of Human Genetics, Univ. Regensburg, Univ. Regensburg
Classification: Uncertain significance for Retinal dystrophy. Last evaluated: 2021-01-01. Review status: criteria provided, single submitter. Criteria: ACMG Guidelines, 2015. Collection method: clinical testing. Allele origin: germline. Affected: yes.

Institute of Medical Genetics and Applied Genomics, University Hospital Tübingen
Classification: Likely pathogenic. Last evaluated: 2020-10-23. Review status: criteria provided, single submitter. Criteria: ACMG Guidelines, 2015. Collection method: clinical testing. Allele origin: germline. Inheritance: Autosomal recessive inheritance. Affected: yes.

Sharon lab, Hadassah-Hebrew University Medical Center
Classification: Likely pathogenic for Retinitis pigmentosa. Last evaluated: 2019-06-23. Review status: no assertion criteria provided. Collection method: research. Allele origin: inherited. Affected: yes. Not counted in ClinVar's aggregate classification.

Literature cited by the submitters: PubMed 23591405 (cited by 3 submitters); PubMed 28559085 (cited by Labcorp Genetics (formerly Invitae), Labcorp); PubMed 32531858 (cited by 3 submitters); PubMed 29099798 (cited by Natera, Inc. and Myriad Genetics, Inc.); PubMed 37446072 (cited by Natera, Inc.); PubMed 38219857 (cited by Natera, Inc.); PubMed 37734845 (cited by Natera, Inc.); PubMed 31456290 (cited by Myriad Genetics, Inc. and Institute of Human Genetics, Univ. Regensburg, Univ. Regensburg); PubMed 31964843 (cited by Institute of Human Genetics, Univ. Regensburg, Univ. Regensburg).

NM_206933.4(USH2A):c.12268C>A (p.Pro4090Thr)

Gene: USH2A (usherin; minus strand). Cytogenetic location: 1q41.
Variant type: single nucleotide variant.
Coding change: c.12268C>A on transcript NM_206933.4 (MANE Select); coding-DNA position 12268, C replaced by A.
Protein change: p.Pro4090Thr; replaces proline 4090 with threonine.
Molecular consequence: missense variant.
Genome position (GRCh38, 1-based): chr1:215,680,175, G>T on the plus strand (C>A on the coding strand, the complement: USH2A is on the minus strand). VCF-style: chr1-215680175-G-T. GRCh37 (hg19) VCF-style: chr1-215853517-G-T.
Other names: short protein forms P4090T.
Identifiers: ClinVar variation 550401 (VCV000550401.53), dbSNP rs780893919, ClinGen allele CA1393514.